The following is an entry in ClinVar:

ClinVar aggregate classification (germline): Pathogenic. Review status: criteria provided, single submitter (1 of 4 stars). 2 submissions from 2 submitters: Pathogenic (1). 1 of the submissions does not count toward it. Last evaluated 2026-03-19.

Conditions:
Mitochondrial DNA depletion syndrome 1. Also called: Mitochondrial neurogastrointestinal encephalomyopathy syndrome; Mitochondrial Neurogastrointestinal Encephalopathy Disease; MITOCHONDRIAL NEUROGASTROINTESTINAL ENCEPHALOPATHY SYNDROME, TYMP-RELATED; POLIP SYNDROME; POLYNEUROPATHY, OPHTHALMOPLEGIA, LEUKOENCEPHALOPATHY, AND INTESTINAL PSEUDOOBSTRUCTION; MNGIE, TYMP-RELATED. Identifiers: Orphanet 298, MedGen C4551995, MONDO:0011283, OMIM 603041.

Submissions (2):

Myriad Genetics, Inc.
Classification: Pathogenic for Mitochondrial DNA depletion syndrome 1. Last evaluated: 2026-03-19. Review status: criteria provided, single submitter. Criteria: Myriad Autosomal Dominant, Autosomal Recessive and X-Linked Classification Criteria (2023). Collection method: clinical testing. Allele origin: unknown.
Comment: NM_001953.4(TYMP):c.263_264delCC(T88Ifs*35) is expected to be pathogenic in the context of mitochondrial neurogastrointestinal encephalopathy disease. This variant is predicted to lead to an abnormal or absent protein product due to the creation of a premature termination codon in TYMP, a gene where loss-of-function variants are known to be pathogenic. Please note: this variant was assessed in the context of healthy population screening.

GeneReviews
Classification: Pathogenic for Mitochondrial DNA depletion syndrome 1. Last evaluated: 2016-01-14. Review status: no assertion criteria provided. Collection method: literature only. Allele origin: germline. Affected: yes. Not counted in ClinVar's aggregate classification.

Literature cited by the submitters: PubMed 21933806 (cited by GeneReviews).

NM_001953.5(TYMP):c.263_264del (p.Thr88fs)

Genes: TYMP (thymidine phosphorylase; minus strand), LOC130067864 (ATAC-STARR-seq lymphoblastoid active region 19325; plus strand). Cytogenetic location: 22q13.33.
Variant type: Deletion.
Coding change: c.263_264del on transcript NM_001953.5 (MANE Select); coding-DNA positions 263 to 264, 2 bases deleted (CC; older notation c.263_264delCC).
Protein change: p.Thr88fs; shifts the reading frame from threonine 88.
Molecular consequence: frameshift variant.
Genome position (GRCh38, 1-based): chr22:50,529,289-50,529,290, GG deleted on the plus strand (CC on the coding strand, the reverse complement: TYMP is on the minus strand). VCF-style (leftmost placement, unchanged base first): chr22-50529288-AGG-A. GRCh37 (hg19) VCF-style: chr22-50967717-AGG-A.
Other names: c.263_264del, p.Thr88fs (NM_001113755.3, NM_001113756.3, NM_001257988.1 and 3 more transcripts); short protein forms T88fs.
Identifiers: ClinVar variation 223079 (VCV000223079.2), dbSNP rs1064792886, ClinGen allele CA16616813.